The following is an entry in ClinVar:

NM_001039660.2(IL18BP):c.6_8del (p.Met3del)

Gene: IL18BP (interleukin 18 binding protein; plus strand). Cytogenetic location: 11q13.4.
Variant type: Deletion.
Coding change: c.6_8del on transcript NM_001039660.2 (MANE Select); coding-DNA positions 6 to 8, 3 bases deleted (CAT; older notation c.6_8delCAT).
Protein change: p.Met3del; deletes methionine 3.
Molecular consequence: inframe deletion.
Genome position (GRCh38, 1-based): chr11:71,999,990-71,999,992, CAT deleted. VCF-style (leftmost placement, unchanged base first): chr11-71999989-CCAT-C. GRCh37 (hg19) VCF-style: chr11-71711035-CCAT-C.
Other names: c.6_8del, p.Met3del (NM_001039659.2, NM_001145055.1, NM_001145057.1 and 3 more transcripts); short protein forms M3del.
Identifiers: ClinVar variation 2132371 (VCV002132371.4), dbSNP rs2495818263, ClinGen allele CA2580084832.

ClinVar aggregate classification (germline): Uncertain significance (1 of 4 stars; one submission).

Submission:

Labcorp Genetics (formerly Invitae), Labcorp
Classification: Uncertain significance. Last evaluated: 2022-04-30. Review status: criteria provided, single submitter. Criteria: Invitae Variant Classification Sherloc (09022015). Collection method: clinical testing. Allele origin: germline.
Comment: In summary, the available evidence is currently insufficient to determine the role of this variant in disease. Therefore, it has been classified as a Variant of Uncertain Significance. Experimental studies and prediction algorithms are not available or were not evaluated, and the functional significance of this variant is currently unknown. This variant has not been reported in the literature in individuals affected with IL18BP-related conditions. This variant is not present in population databases (gnomAD no frequency). This variant, c.6_8del, results in the deletion of 1 amino acid(s) of the IL18BP protein (p.Met3del), but otherwise preserves the integrity of the reading frame.